The following is an entry in ClinVar:

NM_001035.3(RYR2):c.6472C>G (p.His2158Asp)

Gene: RYR2 (ryanodine receptor 2; plus strand). Cytogenetic location: 1q43.
Variant type: single nucleotide variant.
Coding change: c.6472C>G on transcript NM_001035.3 (MANE Select); coding-DNA position 6472, C replaced by G.
Protein change: p.His2158Asp; replaces histidine 2158 with aspartic acid.
Molecular consequence: missense variant.
Genome position (GRCh38, 1-based): chr1:237,631,458, C>G. VCF-style: chr1-237631458-C-G. GRCh37 (hg19) VCF-style: chr1-237794758-C-G.
Other names: short protein forms H2158D.
Identifiers: ClinVar variation 1006978 (VCV001006978.10), dbSNP rs1680241133, ClinGen allele CA345412285.

ClinVar aggregate classification (germline): Uncertain significance (1 of 4 stars; one submission).

Conditions:
Catecholaminergic polymorphic ventricular tachycardia 1. Also called: RYR2-Related Catecholaminergic Polymorphic Ventricular Tachycardia; VENTRICULAR TACHYCARDIA, CATECHOLAMINERGIC POLYMORPHIC, 1, WITH OR WITHOUT ATRIAL DYSFUNCTION AND/OR DILATED CARDIOMYOPATHY; VENTRICULAR TACHYCARDIA, STRESS-INDUCED POLYMORPHIC 1. Identifiers: Orphanet 3286, MedGen C1631597, MONDO:0011484, OMIM 604772.

Submission:

Labcorp Genetics (formerly Invitae), Labcorp
Classification: Uncertain significance for Catecholaminergic polymorphic ventricular tachycardia 1. Last evaluated: 2020-03-14. Review status: criteria provided, single submitter. Criteria: Invitae Variant Classification Sherloc (09022015). Collection method: clinical testing. Allele origin: germline.
Comment: In summary, the available evidence is currently insufficient to determine the role of this variant in disease. Therefore, it has been classified as a Variant of Uncertain Significance. This sequence change replaces histidine with aspartic acid at codon 2158 of the RYR2 protein (p.His2158Asp). The histidine residue is highly conserved and there is a moderate physicochemical difference between histidine and aspartic acid. This variant is not present in population databases (ExAC no frequency). This variant has not been reported in the literature in individuals with RYR2-related conditions. Algorithms developed to predict the effect of missense changes on protein structure and function are either unavailable or do not agree on the potential impact of this missense change (SIFT: "Deleterious"; PolyPhen-2: "Probably Damaging"; Align-GVGD: "Class C0").